The following is an entry in ClinVar:

ClinVar aggregate classification (germline): Uncertain significance (1 of 4 stars; one submission).

Conditions:
Familial melanoma. Also called: Hereditary melanoma; Hereditary cutaneous melanoma. Identifiers: Orphanet 618, MedGen C1512419, MONDO:0018961.

Submission:

Labcorp Genetics (formerly Invitae), Labcorp
Classification: Uncertain significance for Familial melanoma. Last evaluated: 2025-05-30. Review status: criteria provided, single submitter. Criteria: Invitae Variant Classification Sherloc (09022015). Collection method: clinical testing. Allele origin: germline.
Comment: The CDKN2A gene encodes two different proteins, p16INK4a and p14ARF, which are translated from alternative transcripts with different open reading frames. Both transcripts have been analyzed. We report either the variant with the higher classification or default to the CDKN2A (p16INK4a) variant. This report therefore includes the details for the CDKN2A (p16INK4a) variant. This variant, c.179_181dup, results in the insertion of 1 amino acid(s) of the CDKN2A (p16INK4a) protein (p.Ala60dup), but otherwise preserves the integrity of the reading frame. This variant is not present in population databases (gnomAD no frequency). This variant has not been reported in the literature in individuals affected with CDKN2A (p16INK4a)-related conditions. This variant is also known as c.222_224dup (p.Gly75dup) in CDKN2A (p14ARF) transcript. In summary, the available evidence is currently insufficient to determine the role of this variant in disease. Therefore, it has been classified as a Variant of Uncertain Significance.

NM_000077.5(CDKN2A):c.179_181dup (p.Ala60_Glu61insAla)

Gene: CDKN2A (cyclin dependent kinase inhibitor 2A; minus strand). Cytogenetic location: 9p21.3.
Variant type: Duplication.
Coding change: c.179_181dup on transcript NM_000077.5; coding-DNA positions 179 to 181, 3 bases duplicated (CGG; older notation c.179_181dupCGG).
Protein change: p.Ala60_Glu61insAla.
Molecular consequence: inframe indel (on NM_000077.6). On other transcripts: inframe insertion (3), 3 prime UTR variant (1).
Genome position (GRCh38, 1-based): chr9:21,971,178-21,971,180, CCG duplicated on the plus strand (CGG on the coding strand, the reverse complement: CDKN2A is on the minus strand); duplicating any 3 consecutive bases within chr9:21,971,178-21,971,182 gives the same sequence; the c. name uses the placement nearest the transcript's 3' end. VCF-style (leftmost placement, unchanged base first): chr9-21971177-T-TCCG. GRCh37 (hg19) VCF-style: chr9-21971176-T-TCCG.
Other names: c.177_179dup, p.Ala60_Glu61insAla (NM_000077.6); c.179_181dup, p.Ala60_Glu61insAla (NM_001195132.2); c.26_28dup, p.Ala9_Glu10insAla (NM_001363763.2); c.222_224dup, p.Gly75_Ala76insGly (NM_058195.4); c.*102_*104dup (NM_058197.5).
Identifiers: ClinVar variation 4807789 (VCV004807789.1).